The following is an entry in ClinVar:

NM_005045.4(RELN):c.5802G>C (p.Lys1934Asn)

Gene: RELN (reelin; minus strand). Cytogenetic location: 7q22.1.
Variant type: single nucleotide variant.
Coding change: c.5802G>C on transcript NM_005045.4 (MANE Select); coding-DNA position 5802, G replaced by C.
Protein change: p.Lys1934Asn; replaces lysine 1934 with asparagine.
Molecular consequence: missense variant.
Genome position (GRCh38, 1-based): chr7:103,553,827, C>G on the plus strand (G>C on the coding strand, the complement: RELN is on the minus strand). VCF-style: chr7-103553827-C-G. GRCh37 (hg19) VCF-style: chr7-103194274-C-G.
Other names: c.5802G>C, p.Lys1934Asn (NM_173054.3); short protein forms K1934N.
Identifiers: ClinVar variation 2081266 (VCV002081266.4), dbSNP rs2484721984, ClinGen allele CA368740486.

ClinVar aggregate classification (germline): Uncertain significance (1 of 4 stars; one submission).

Conditions:
Familial temporal lobe epilepsy 7. Identifiers: Orphanet 101046, MedGen C4225327, MONDO:0014639, OMIM 616436.
Norman-Roberts syndrome (LIS2). Also called: Lissencephaly 2 (Norman-Roberts type). Identifiers: Orphanet 89844, MedGen C0796089, MONDO:0009760, OMIM 257320.

Submission:

Labcorp Genetics (formerly Invitae), Labcorp
Classification: Uncertain significance for Familial temporal lobe epilepsy 7; Norman-Roberts syndrome. Last evaluated: 2024-11-18. Review status: criteria provided, single submitter. Criteria: Invitae Variant Classification Sherloc (09022015). Collection method: clinical testing. Allele origin: germline.
Comment: This sequence change replaces lysine, which is basic and polar, with asparagine, which is neutral and polar, at codon 1934 of the RELN protein (p.Lys1934Asn). This variant is not present in population databases (gnomAD no frequency). This variant has not been reported in the literature in individuals affected with RELN-related conditions. ClinVar contains an entry for this variant (Variation ID: 2081266). Invitae Evidence Modeling of protein sequence and biophysical properties (such as structural, functional, and spatial information, amino acid conservation, physicochemical variation, residue mobility, and thermodynamic stability) indicates that this missense variant is not expected to disrupt RELN protein function with a negative predictive value of 80%. In summary, the available evidence is currently insufficient to determine the role of this variant in disease. Therefore, it has been classified as a Variant of Uncertain Significance.